The following is an entry in ClinVar:

NM_198239.2(CCN6):c.327C>A (p.Tyr109Ter)

Gene: CCN6 (cellular communication network factor 6; plus strand). Cytogenetic location: 6q21.
Variant type: single nucleotide variant.
Coding change: c.327C>A on transcript NM_198239.2 (MANE Select); coding-DNA position 327, C replaced by A.
Protein change: p.Tyr109Ter; replaces tyrosine 109 with a stop codon.
Molecular consequence: nonsense. On other transcripts: non-coding transcript variant (2).
Genome position (GRCh38, 1-based): chr6:112,061,269, C>A. VCF-style: chr6-112061269-C-A. GRCh37 (hg19) VCF-style: chr6-112382472-C-A.
Other names: c.327C>A, p.Tyr109Ter (NM_003880.4); short protein forms Y109*.
Identifiers: ClinVar variation 2734928 (VCV002734928.3), dbSNP rs145747429, ClinGen allele CA365370188.
Genomic context (GRCh38, chr6:112,061,269, plus strand): 5'-TGACCTCTGTGACCCACACAAAGGGCTGTATTGTGACTACTCAGTAGACAGGCCTAGGTA[C>A]GAGACTGGAGTGTGTGCATGTAAGTGTCTTCTTCTGGACCTGCTGGAAAAGATTGAGTCT-3'

ClinVar aggregate classification (germline): Pathogenic (1 of 4 stars; one submission).

Submission:

Labcorp Genetics (formerly Invitae), Labcorp
Classification: Pathogenic. Last evaluated: 2023-12-11. Review status: criteria provided, single submitter. Criteria: Invitae Variant Classification Sherloc (09022015). Collection method: clinical testing. Allele origin: germline.
Comment: This sequence change creates a premature translational stop signal (p.Tyr109*) in the WISP3 gene. It is expected to result in an absent or disrupted protein product. Loss-of-function variants in WISP3 are known to be pathogenic (PMID: 22791401). This variant is not present in population databases (gnomAD no frequency). This premature translational stop signal has been observed in individual(s) with WISP3-related conditions (PMID: 22791401). Algorithms developed to predict the effect of sequence changes on RNA splicing suggest that this variant may disrupt the consensus splice site. For these reasons, this variant has been classified as Pathogenic.

Literature cited by the submitters: PubMed 22791401.